The following is an entry in ClinVar:

NM_006739.4(MCM5):c.883C>T (p.Arg295Cys)

Gene: MCM5 (minichromosome maintenance complex component 5; plus strand). Cytogenetic location: 22q12.3.
Variant type: single nucleotide variant.
Coding change: c.883C>T on transcript NM_006739.4 (MANE Select); coding-DNA position 883, C replaced by T.
Protein change: p.Arg295Cys; replaces arginine 295 with cysteine.
Molecular consequence: missense variant.
Genome position (GRCh38, 1-based): chr22:35,410,874, C>T. VCF-style: chr22-35410874-C-T. GRCh37 (hg19) VCF-style: chr22-35806867-C-T.
Other names: short protein forms R295C.
Identifiers: ClinVar variation 4695682 (VCV004695682.1).

ClinVar aggregate classification (germline): Uncertain significance (1 of 4 stars; one submission).

Submission:

Labcorp Genetics (formerly Invitae), Labcorp
Classification: Uncertain significance. Last evaluated: 2025-03-04. Review status: criteria provided, single submitter. Criteria: Invitae Variant Classification Sherloc (09022015). Collection method: clinical testing. Allele origin: germline.
Comment: This sequence change replaces arginine, which is basic and polar, with cysteine, which is neutral and slightly polar, at codon 295 of the MCM5 protein (p.Arg295Cys). This variant is present in population databases (rs748947734, gnomAD 0.01%). This variant has not been reported in the literature in individuals affected with MCM5-related conditions. Invitae Evidence Modeling of protein sequence and biophysical properties (such as structural, functional, and spatial information, amino acid conservation, physicochemical variation, residue mobility, and thermodynamic stability) indicates that this missense variant is expected to disrupt MCM5 protein function with a positive predictive value of 80%. In summary, the available evidence is currently insufficient to determine the role of this variant in disease. Therefore, it has been classified as a Variant of Uncertain Significance.